The following is an entry in ClinVar:

ClinVar aggregate classification (germline): Likely benign. Review status: criteria provided, multiple submitters, no conflicts (2 of 4 stars). 4 submissions from 4 submitters: Likely benign (3). 1 of the submissions does not count toward it. Last evaluated 2023-12-22.

Conditions:
ABCG8-related disorder. Also called: ABCG8-related condition.
Cardiovascular phenotype. Identifiers: MedGen CN230736.

Allele frequency attached by ClinVar (database versions not stated): ExAC 0.00002.
gnomAD v4.1: 82 of 1,614,054 alleles (0.0051%); highest among the groups gnomAD compares: Non-Finnish European, 0.0068%; no homozygotes.

Submissions (4):

Blueprint Genetics
Classification: Likely benign. Last evaluated: 2023-12-22. Review status: criteria provided, single submitter. Criteria: ACMG Guidelines, 2015. Collection method: clinical testing. Allele origin: germline.

Labcorp Genetics (formerly Invitae), Labcorp
Classification: Likely benign. Last evaluated: 2023-08-14. Review status: criteria provided, single submitter. Criteria: Invitae Variant Classification Sherloc (09022015). Collection method: clinical testing. Allele origin: germline.

Ambry Genetics
Classification: Likely benign for Cardiovascular phenotype. Last evaluated: 2020-03-17. Review status: criteria provided, single submitter. Criteria: Ambry Variant Classification Scheme 2023. Collection method: clinical testing. Allele origin: germline.

PreventionGenetics, part of Exact Sciences
Classification: Likely benign for ABCG8-related condition. Last evaluated: 2024-04-19. Review status: no assertion criteria provided. Collection method: clinical testing. Allele origin: germline. Not counted in ClinVar's aggregate classification.
Comment: This variant is classified as likely benign based on ACMG/AMP sequence variant interpretation guidelines (Richards et al. 2015 PMID: 25741868, with internal and published modifications).

NM_022437.3(ABCG8):c.804C>G (p.Ser268=)

Gene: ABCG8 (ATP binding cassette subfamily G member 8; plus strand). Cytogenetic location: 2p21.
Variant type: single nucleotide variant.
Coding change: c.804C>G on transcript NM_022437.3 (MANE Select); coding-DNA position 804, C replaced by G.
Protein change: p.Ser268=; no amino-acid change (serine 268 retained).
Molecular consequence: synonymous variant.
Genome position (GRCh38, 1-based): chr2:43,852,708, C>G. VCF-style: chr2-43852708-C-G. GRCh37 (hg19) VCF-style: chr2-44079847-C-G.
Other names: c.804C>G, p.Ser268= (NM_001357321.2).
Identifiers: ClinVar variation 1761788 (VCV001761788.9), dbSNP rs150498881, ClinGen allele CA1637176.
Genomic context (GRCh38, chr2:43,852,708, plus strand): 5'-CCACAACCTGGTGAAGACCTTGTCCAGGCTGGCCAAAGGCAACCGGCTGGTGCTCATCTC[C>G]CTCCACCAGCCTCGCTCTGACATCTTCAGGCTGTTTGATCTGGTCCTCCTGATGACGTCT-3'
Protein context (NP_071882.1, residues 258-278): LAKGNRLVLI[Ser268=]LHQPRSDIFR